The following is an entry in ClinVar:

NM_022114.4(PRDM16):c.1426C>T (p.Pro476Ser)

Gene: PRDM16 (PR/SET domain 16; plus strand). Cytogenetic location: 1p36.32.
Variant type: single nucleotide variant.
Coding change: c.1426C>T on transcript NM_022114.4 (MANE Select); coding-DNA position 1426, C replaced by T.
Protein change: p.Pro476Ser; replaces proline 476 with serine.
Molecular consequence: missense variant.
Genome position (GRCh38, 1-based): chr1:3,411,623, C>T. VCF-style: chr1-3411623-C-T. GRCh37 (hg19) VCF-style: chr1-3328187-C-T.
Other names: c.1426C>T, p.Pro476Ser (NM_199454.3); short protein forms P476S.
Identifiers: ClinVar variation 227024 (VCV000227024.44), dbSNP rs188908415, ClinGen allele CA544187.

ClinVar aggregate classification (germline): Conflicting classifications of pathogenicity. Review status: criteria provided, conflicting classifications (1 of 4 stars). 9 submissions from 9 submitters: Uncertain significance (1); Benign (2); Likely benign (5). 1 of the submissions does not count toward it. Last evaluated 2026-01-31.

Conditions:
Inborn genetic diseases. Identifiers: MedGen C0950123, MeSH D030342.
PRDM16-related disorder. Also called: PRDM16-related condition.
Left ventricular noncompaction 8 (LVNC8). Identifiers: Orphanet 154, Orphanet 54260, MedGen C3809288, MONDO:0014152, OMIM 615373.

Allele frequency attached by ClinVar (database versions not stated): gnomAD exomes 0.00034; ExAC 0.00042; gnomAD 0.00125 and 0.00131; 1000 Genomes Project 30x 0.00141; ESP Exome Variant Server 0.00145; TOPMed 0.00148; 1000 Genomes Project 0.00160.
gnomAD v4.1: 368 of 1,613,962 alleles (0.023%); highest among the groups gnomAD compares: African/African-American, 0.46%; 2 homozygotes.

Submissions (9):

Labcorp Genetics (formerly Invitae), Labcorp
Classification: Benign for Left ventricular noncompaction 8. Last evaluated: 2026-01-31. Review status: criteria provided, single submitter. Criteria: Invitae Variant Classification Sherloc (09022015). Collection method: clinical testing. Allele origin: germline.

Ambry Genetics
Classification: Uncertain significance for Inborn genetic diseases. Last evaluated: 2025-08-07. Review status: criteria provided, single submitter. Criteria: Ambry Variant Classification Scheme 2023. Collection method: clinical testing. Allele origin: germline.

Women's Health and Genetics/Laboratory Corporation of America, LabCorp
Classification: Likely benign. Last evaluated: 2025-03-22. Review status: criteria provided, single submitter. Criteria: LabCorp Variant Classification Summary - May 2015. Collection method: clinical testing. Allele origin: germline.

Blueprint Genetics
Classification: Likely benign. Last evaluated: 2024-09-04. Review status: criteria provided, single submitter. Criteria: ACMG Guidelines, 2015. Collection method: clinical testing. Allele origin: germline.

CeGaT Center for Human Genetics Tuebingen
Classification: Likely benign. Last evaluated: 2023-12-01. Review status: criteria provided, single submitter. Criteria: CeGaT Center For Human Genetics Tuebingen Variant Classification Criteria Version 2. Collection method: clinical testing. Allele origin: germline. Affected: yes. Observed: 1 variant allele.
Comment: PRDM16: BP4, BS1

GeneDx
Classification: Likely benign. Last evaluated: 2021-02-02. Review status: criteria provided, single submitter. Criteria: GeneDx Variant Classification Process June 2021. Collection method: clinical testing. Allele origin: germline. Affected: yes.

Laboratory for Molecular Medicine, Mass General Brigham Personalized Medicine
Classification: Benign. Last evaluated: 2014-11-24. Review status: criteria provided, single submitter. Criteria: LMM Criteria. Collection method: clinical testing. Allele origin: germline. Observed: 3 variant alleles.
Comment: Pro476Ser in exon 9 of PRDM16: This variant is not expected to have clinical sig nificance because it has been identified in 3.4% (6/176) of Yoruba (Nigerian) ch romosomes from a broad population by the 1000 Genomes Project (dbSNP rs188908415).

Breakthrough Genomics
Classification: Likely benign. Review status: criteria provided, single submitter. Criteria: ACMG Guidelines, 2015. Collection method: not provided. Allele origin: germline. Inheritance: Autosomal dominant inheritance. Affected: yes.

PreventionGenetics, part of Exact Sciences
Classification: Benign for PRDM16-related condition. Last evaluated: 2024-04-30. Review status: no assertion criteria provided. Collection method: clinical testing. Allele origin: germline. Not counted in ClinVar's aggregate classification.
Comment: This variant is classified as benign based on ACMG/AMP sequence variant interpretation guidelines (Richards et al. 2015 PMID: 25741868, with internal and published modifications).